The following is an entry in ClinVar:

NM_005475.3(SH2B3):c.1696C>T (p.Arg566Trp)

Gene: SH2B3 (SH2B adaptor protein 3; plus strand). Cytogenetic location: 12q24.12.
Variant type: single nucleotide variant.
Coding change: c.1696C>T on transcript NM_005475.3 (MANE Select); coding-DNA position 1696, C replaced by T.
Protein change: p.Arg566Trp; replaces arginine 566 with tryptophan.
Molecular consequence: missense variant.
Genome position (GRCh38, 1-based): chr12:111,448,270, C>T. VCF-style: chr12-111448270-C-T. GRCh37 (hg19) VCF-style: chr12-111886074-C-T.
Other names: c.1090C>T, p.Arg364Trp (NM_001291424.1); short protein forms R364W, R566W.
Identifiers: ClinVar variation 3574256 (VCV003574256.4).

ClinVar aggregate classification (germline): Uncertain significance. Review status: criteria provided, multiple submitters, no conflicts (2 of 4 stars). 4 submissions from 4 submitters: Uncertain significance (4). Last evaluated 2026-02-11.

Conditions:
SH2B3-related disorder. Also called: SH2B3-related condition.
Primary myelofibrosis. Also called: Myelofibrosis, somatic. Identifiers: Orphanet 824, MedGen C0001815, MeSH D055728, MONDO:0009692, OMIM 254450.
Thrombocythemia 1 (THCYT1). Also called: THROMBOCYTOSIS 1; THROMBOCYTHEMIA, SOMATIC. Identifiers: MedGen C3277671, MONDO:0008554, OMIM 187950.
Primary familial polycythemia due to EPO receptor mutation. Also called: Primary Familial Congenital Polycythemia; POLYCYTHEMIA, PRIMARY FAMILIAL AND CONGENITAL; Erythrocytosis, familial, 1; ERYTHROCYTOSIS, SOMATIC. Identifiers: Orphanet 90042, MedGen C4551637, MONDO:0007572, OMIM 133100.
Thrombocytosis. Also called: Thrombocythemia; Thrombocytosis disease. Identifiers: MedGen C0836924, MONDO:0002249, HP:0001894.

gnomAD v4.1: 489 of 1,613,616 alleles (0.03%); highest among the groups gnomAD compares: Admixed American, 0.075%; 1 homozygote.

Submissions (4):

St. Jude Molecular Pathology, St. Jude Children's Research Hospital
Classification: Uncertain significance for Thrombocythemia. Last evaluated: 2026-02-11. Review status: criteria provided, single submitter. Criteria: St. Jude Assertion Criteria 2020. Collection method: clinical testing. Allele origin: germline.
Comment: The SH2B3 c.1696C>T p.(Arg566Trp) missense change has a maximum subpopulation frequency of 0.082% in gnomAD v2.1.1. The in silico tool REVEL is inconclusive about a pathogenic or benign effect of this variant on protein function, and to our knowledge functional studies have not been performed. This variant has been reported in a compound heterozygous state in somatic tissue of an individual with myelodysplastic syndrome (PMID: 32147816). It has also been observed in the heterozygous state in somatic tissue of an individual with myeloid sarcoma (PMID: 35573754). In summary, the evidence currently available is insufficient to determine the clinical significance of this variant. It has therefore been classified as of uncertain significance.

PreventionGenetics, part of Exact Sciences
Classification: Uncertain significance for SH2B3-related condition. Last evaluated: 2025-02-14. Review status: criteria provided, single submitter. Criteria: ACMG Guidelines, 2015. Collection method: clinical testing. Allele origin: germline.
Comment: The SH2B3 c.1696C>T variant is predicted to result in the amino acid substitution p.Arg566Trp. To our knowledge, this variant has not been reported in the literature. This variant is reported in 0.082% of alleles in individuals of Latino descent in gnomAD, including one homozygous individual, which may be too common to be causative. Although we suspect that this variant may be benign, at this time, the clinical significance of this variant is uncertain due to the absence of conclusive functional and genetic evidence.

GeneDx
Classification: Uncertain significance. Last evaluated: 2025-01-31. Review status: criteria provided, single submitter. Criteria: GeneDx Variant Classification Process June 2021. Collection method: clinical testing. Allele origin: germline. Affected: yes.
Comment: In silico analysis supports that this missense variant has a deleterious effect on protein structure/function; This variant is associated with the following publications: (PMID: 35573754, 34662886, 39192417)

Fulgent Genetics
Classification: Uncertain significance for Primary familial polycythemia due to EPO receptor mutation; Thrombocythemia 1; Primary myelofibrosis. Last evaluated: 2024-03-29. Review status: criteria provided, single submitter. Criteria: ACMG Guidelines, 2015. Collection method: clinical testing. Allele origin: germline.